The following is an entry in ClinVar:

NM_017780.4(CHD7):c.7975G>C (p.Gly2659Arg)

Gene: CHD7 (chromodomain helicase DNA binding protein 7; plus strand). Cytogenetic location: 8q12.2.
Variant type: single nucleotide variant.
Coding change: c.7975G>C on transcript NM_017780.4 (MANE Select); coding-DNA position 7975, G replaced by C.
Protein change: p.Gly2659Arg; replaces glycine 2659 with arginine.
Molecular consequence: missense variant.
Genome position (GRCh38, 1-based): chr8:60,862,551, G>C. VCF-style: chr8-60862551-G-C. GRCh37 (hg19) VCF-style: chr8-61775110-G-C.
Other names: c.1828G>C, p.Gly610Arg (NM_001316690.1); short protein forms G2659R, G610R.
Identifiers: ClinVar variation 3361772 (VCV003361772.1).

ClinVar aggregate classification (germline): Uncertain significance (1 of 4 stars; one submission).

Submission:

GeneDx
Classification: Uncertain significance. Last evaluated: 2023-08-02. Review status: criteria provided, single submitter. Criteria: GeneDx Variant Classification Process June 2021. Collection method: clinical testing. Allele origin: germline. Affected: yes.
Comment: Not observed at significant frequency in large population cohorts (gnomAD); In silico analysis supports that this missense variant has a deleterious effect on protein structure/function; Has not been previously published as pathogenic or benign to our knowledge